The following is an entry in ClinVar:

ClinVar aggregate classification (germline): Likely benign. Review status: criteria provided, single submitter (1 of 4 stars). 2 submissions from 2 submitters: Likely benign (1). 1 of the submissions does not count toward it. Last evaluated 2023-10-04.

Conditions:
SRCAP-related disorder. Also called: SRCAP-related condition.

Allele frequency attached by ClinVar (database versions not stated): gnomAD exomes 0.00001; ExAC 0.00002; TOPMed 0.00002.
gnomAD v4.1: 22 of 1,614,046 alleles (0.0014%); highest among the groups gnomAD compares: Non-Finnish European, 0.0015%; no homozygotes.

Submissions (2):

Labcorp Genetics (formerly Invitae), Labcorp
Classification: Likely benign. Last evaluated: 2023-10-04. Review status: criteria provided, single submitter. Criteria: Invitae Variant Classification Sherloc (09022015). Collection method: clinical testing. Allele origin: germline.

PreventionGenetics, part of Exact Sciences
Classification: Likely benign for SRCAP-related condition. Last evaluated: 2021-05-19. Review status: no assertion criteria provided. Collection method: clinical testing. Allele origin: germline. Not counted in ClinVar's aggregate classification.
Comment: This variant is classified as likely benign based on ACMG/AMP sequence variant interpretation guidelines (Richards et al. 2015 PMID: 25741868, with internal and published modifications).

NM_006662.3(SRCAP):c.4905G>A (p.Ser1635=)

Gene: SRCAP (Snf2 related CREBBP activator protein; plus strand). Cytogenetic location: 16p11.2.
Variant type: single nucleotide variant.
Coding change: c.4905G>A on transcript NM_006662.3 (MANE Select); coding-DNA position 4905, G replaced by A.
Protein change: p.Ser1635=; no amino-acid change (serine 1635 retained).
Molecular consequence: synonymous variant.
Genome position (GRCh38, 1-based): chr16:30,724,329, G>A. VCF-style: chr16-30724329-G-A. GRCh37 (hg19) VCF-style: chr16-30735650-G-A.
Other names: c.4905G>A (NM_006662.2).
Identifiers: ClinVar variation 2971855 (VCV002971855.5), dbSNP rs752433133, ClinGen allele CA8011853.